The following is an entry in ClinVar:

NM_003919.3(SGCE):c.139G>A (p.Asp47Asn)

Genes: CASD1 (CAS1 domain sialic acid O acetyltransferase 1; plus strand), SGCE (sarcoglycan epsilon; minus strand). Cytogenetic location: 7q21.3.
Variant type: single nucleotide variant.
Coding change: c.139G>A on transcript NM_003919.3 (MANE Select); coding-DNA position 139, G replaced by A.
Protein change: p.Asp47Asn; replaces aspartic acid 47 with asparagine.
Molecular consequence: missense variant. On other transcripts: 5 prime UTR variant (2), intron variant (2).
Genome position (GRCh38, 1-based): chr7:94,629,812, C>T on the plus strand (G>A on the coding strand, the complement: SGCE is on the minus strand). VCF-style: chr7-94629812-C-T. GRCh37 (hg19) VCF-style: chr7-94259124-C-T.
Other names: c.139G>A (NM_003919.2); c.139G>A, p.Asp47Asn (NM_001099400.2, NM_001099401.2, NM_001346717.2); c.247G>A, p.Asp83Asn (NM_001346713.2, NM_001346715.2); c.52G>A, p.Asp18Asn (NM_001346719.2, NM_001362807.2); c.-135G>A (NM_001346720.2, NM_001362808.2); c.110-1453G>A (NM_001362809.2, NM_001301139.2); short protein forms D18N, D47N, D83N.
Identifiers: ClinVar variation 1110477 (VCV001110477.18), dbSNP rs199787155, ClinGen allele CA4348883.
Genomic context (GRCh38, chr7:94,629,812, plus strand): 5'-AATATTCTCTTTCCAAAACATGAACAAAGAGGACACCTGCTGATGGGTATACATTCCGAT[C>T]GGAGTGTACCTTGGAGAAAATACTGTACACTGAAAACAAAGAGGAAAGATAAGTGACAGA-3'
Protein context (NP_003910.1, residues 37-57): VYSIFSKVHS[Asp47Asn]RNVYPSAGVL

ClinVar aggregate classification (germline): Conflicting classifications of pathogenicity. Review status: criteria provided, conflicting classifications (1 of 4 stars). 4 submissions from 4 submitters: Uncertain significance (2); Likely benign (2). Last evaluated 2026-02-01.

Conditions:
Inborn genetic diseases. Identifiers: MedGen C0950123, MeSH D030342.
Myoclonic dystonia 11 (DYT11). Also called: SGCE Myoclonus-Dystonia; Myoclonus-Dystonia; DYT-SGCE; Myoclonic dystonia; Dystonia 11; Dystonia, alcohol responsive. Identifiers: Orphanet 36899, MedGen C1834570, MONDO:0008044, OMIM 159900.

Allele frequency attached by ClinVar (database versions not stated): gnomAD 0.00002 and 0.00004; TOPMed 0.00003; gnomAD exomes 0.00007 and 0.00018; ESP Exome Variant Server 0.00008; ExAC 0.00016; 1000 Genomes Project 0.00020; 1000 Genomes Project 30x 0.00031.
gnomAD v4.1: 115 of 1,610,710 alleles (0.0071%); highest among the groups gnomAD compares: South Asian, 0.088%; no homozygotes.

Submissions (4):

CeGaT Center for Human Genetics Tuebingen
Classification: Likely benign. Last evaluated: 2026-02-01. Review status: criteria provided, single submitter. Criteria: CeGaT Center For Human Genetics Tuebingen Variant Classification Criteria Version 2. Collection method: clinical testing. Allele origin: germline. Affected: yes. Observed: 1 variant allele.
Comment: SGCE: PP3, BS2

Labcorp Genetics (formerly Invitae), Labcorp
Classification: Likely benign for Myoclonic dystonia 11. Last evaluated: 2025-12-09. Review status: criteria provided, single submitter. Criteria: Invitae Variant Classification Sherloc (09022015). Collection method: clinical testing. Allele origin: germline.

Ambry Genetics
Classification: Uncertain significance for Inborn genetic diseases. Last evaluated: 2025-08-31. Review status: criteria provided, single submitter. Criteria: Ambry Variant Classification Scheme 2023. Collection method: clinical testing. Allele origin: germline.

Revvity Omics, Revvity
Classification: Uncertain significance for Myoclonic dystonia 11. Last evaluated: 2023-12-12. Review status: criteria provided, single submitter. Criteria: ACMG Guidelines, 2015. Collection method: clinical testing. Allele origin: germline.